The following is an entry in ClinVar:

NM_000051.4(ATM):c.4109+5G>A

Gene: ATM (ATM serine/threonine kinase; plus strand). Cytogenetic location: 11q22.3.
Variant type: single nucleotide variant.
Coding change: c.4109+5G>A on transcript NM_000051.4 (MANE Select); 5 bases into the intron after coding-DNA position 4109, G replaced by A.
Molecular consequence: intron variant.
Genome position (GRCh38, 1-based): chr11:108,287,720, G>A. VCF-style: chr11-108287720-G-A. GRCh37 (hg19) VCF-style: chr11-108158447-G-A.
Other names: c.4109+5G>A (NM_001351834.2).
Identifiers: ClinVar variation 838766 (VCV000838766.13), dbSNP rs2082568277, ClinGen allele CA476673629.

ClinVar aggregate classification (germline): Conflicting classifications of pathogenicity. Review status: criteria provided, conflicting classifications (1 of 4 stars). 5 submissions from 5 submitters: Likely pathogenic (4); Uncertain significance (1). Last evaluated 2025-12-30.

Conditions:
Familial cancer of breast. Also called: BREAST CANCER, FAMILIAL; hereditary breast carcinoma; Hereditary breast cancer. Identifiers: Orphanet 227535, MedGen C0346153, MONDO:0016419, OMIM 114480. Disease mechanism: loss of function.
Ataxia-telangiectasia syndrome (AT). Also called: Ataxia-telangiectasia, complementation group E; Ataxia telangiectasia (A-T); LOUIS-BAR SYNDROME; Ataxia-telangiectasia, complementation group D; AT, COMPLEMENTATION GROUP C; Ataxia-telangiectasia. Identifiers: Orphanet 100, MedGen C0004135, MONDO:0008840, OMIM 208900.
Hereditary cancer-predisposing syndrome. Also called: Neoplastic Syndromes, Hereditary; Hereditary neoplastic syndrome; Tumor predisposition; Hereditary Cancer Syndrome. Identifiers: Orphanet 140162, MedGen C0027672, MeSH D009386, MONDO:0015356.

Allele frequency attached by ClinVar (database versions not stated): gnomAD exomes below 0.00001.
gnomAD v4.1: 1 of 1,602,978 alleles (0.000062%); highest among the groups gnomAD compares: African/African-American, 0.0013%; no homozygotes.

Submissions (5):

Natera, Inc.
Classification: Likely pathogenic for Ataxia-telangiectasia. Last evaluated: 2025-12-30. Review status: criteria provided, single submitter. Criteria: Natera Variant Classification Schema (03/2026). Collection method: clinical testing. Allele origin: germline.
Comment: The c.4109+5G>A variant in ATM is an intronic variant located outside the canonical splice sites. This variant is rare in the general population with a frequency below the threshold expected for the associated phenotype(s). This variant has been observed in one or more individuals affected with the associated recessive disease, as either homozygous or compound heterozygous with a second variant (PMID: 28126470). Functional studies show that this variant may disrupt protein function (PMID: 35716007). Computational prediction algorithms indicate this variant is likely to affect gene or protein function. Given the available evidence, this variant is classified as Likely Pathogenic.

Ambry Genetics
Classification: Likely pathogenic for Hereditary cancer-predisposing syndrome. Last evaluated: 2025-11-04. Review status: criteria provided, single submitter. Criteria: Ambry Variant Classification Scheme 2023. Collection method: clinical testing. Allele origin: germline.
Comment: The c.4109+5G>A intronic variant results from a G to A substitution 5 nucleotides after coding exon 26 in the ATM gene. This nucleotide position is highly conserved in available vertebrate species. In silico splice site analysis predicts that this alteration will weaken the native splice donor site. RNA studies have demonstrated that this alteration results in abnormal splicing in the set of samples tested (Ambry internal data). This variant has been identified in conjunction with another ATM variant in individuals who met clinical criteria for Ataxia telangiectasia (AT) (van Os NJH et al.Clin Immunol 2017 May;178:45-55). Based on the majority of available evidence to date, this variant is likely to be pathogenic.

Fulgent Genetics
Classification: Likely pathogenic for Familial cancer of breast; Ataxia-telangiectasia syndrome. Last evaluated: 2024-03-30. Review status: criteria provided, single submitter. Criteria: ACMG Guidelines, 2015. Collection method: clinical testing. Allele origin: germline.

GeneDx
Classification: Likely pathogenic. Last evaluated: 2022-10-18. Review status: criteria provided, single submitter. Criteria: GeneDx Variant Classification Process June 2021. Collection method: clinical testing. Allele origin: germline. Affected: yes.
Comment: Intronic +5 splice site variant in a gene for which loss of function is a known mechanism of disease, and splice predictors support a deleterious effect; Not observed at significant frequency in large population cohorts (gnomAD); This variant is associated with the following publications: (PMID: 28126470)

Labcorp Genetics (formerly Invitae), Labcorp
Classification: Uncertain significance for Ataxia-telangiectasia syndrome. Last evaluated: 2019-03-27. Review status: criteria provided, single submitter. Criteria: Invitae Variant Classification Sherloc (09022015). Collection method: clinical testing. Allele origin: germline.
Comment: In summary, the available evidence is currently insufficient to determine the role of this variant in disease. Therefore, it has been classified as a Variant of Uncertain Significance. This sequence change falls in intron 27 of the ATM gene. It does not directly change the encoded amino acid sequence of the ATM protein, but it affects a nucleotide within the consensus splice site of the intron. This variant is not present in population databases (ExAC no frequency). This variant has not been reported in the literature in individuals with ATM-related conditions. Nucleotide substitutions within the consensus splice site are a relatively common cause of aberrant splicing (PMID: 17576681, 9536098). Algorithms developed to predict the effect of sequence changes on RNA splicing suggest that this variant may disrupt the consensus splice site, but this prediction has not been confirmed by published transcriptional studies.

Literature cited by the submitters: PubMed 28126470 (cited by Natera, Inc.); PubMed 35716007 (cited by Natera, Inc.); PubMed 17576681 (cited by Labcorp Genetics (formerly Invitae), Labcorp); PubMed 9536098 (cited by Labcorp Genetics (formerly Invitae), Labcorp).